The following is an entry in ClinVar:

ClinVar aggregate classification (germline): Uncertain significance (1 of 4 stars; one submission).

Conditions:
Von Hippel-Lindau syndrome (VHLS). Also called: von Hippel–Lindau syndrome; VHL syndrome; Von Hippel-Lindau. Identifiers: Orphanet 892, MedGen C0019562, MONDO:0008667, OMIM 193300. Disease mechanism: loss of function.
Chuvash polycythemia. Also called: POLYCYTHEMIA, VHL-DEPENDENT. Identifiers: Orphanet 238557, MedGen C1837915, MONDO:0009892, OMIM 263400.

Submission:

Labcorp Genetics (formerly Invitae), Labcorp
Classification: Uncertain significance for Von Hippel-Lindau syndrome; Chuvash polycythemia. Last evaluated: 2023-06-12. Review status: criteria provided, single submitter. Criteria: Invitae Variant Classification Sherloc (09022015). Collection method: clinical testing. Allele origin: germline.
Comment: In summary, the available evidence is currently insufficient to determine the role of this variant in disease. Therefore, it has been classified as a Variant of Uncertain Significance. Experimental studies and prediction algorithms are not available or were not evaluated, and the effect of this variant on mRNA splicing is currently unknown. This variant has not been reported in the literature in individuals affected with VHL-related conditions. Information on the frequency of this variant in the gnomAD database is not available, as this variant may be reported differently in the database. This sequence change falls in intron 1 of the VHL gene. It does not directly change the encoded amino acid sequence of the VHL protein.

NM_000551.4(VHL):c.341-5_341-4delinsTT

Genes: VHL (von Hippel-Lindau tumor suppressor; plus strand), LOC107303340 (3p25 von Hippel-Lindau tumor suppressor, E3 ubiquitin protein ligase Alu-mediated recombination region; plus strand). Cytogenetic location: 3p25.3.
Variant type: Indel.
Coding change: c.341-5_341-4delinsTT on transcript NM_000551.4 (MANE Select); 5 bases into the intron before coding-DNA position 341 through 4 bases into the intron before coding-DNA position 341, GA replaced by TT.
Molecular consequence: intron variant.
Genome position (GRCh38, 1-based): chr3:10,146,509-10,146,510, GA replaced by TT. VCF-style: chr3-10146509-GA-TT. GRCh37 (hg19) VCF-style: chr3-10188193-GA-TT.
Other names: c.*18-3278_*18-3277delinsTT (NM_001354723.2); c.341-3278_341-3277delinsTT (NM_198156.3).
Identifiers: ClinVar variation 2948796 (VCV002948796.3), dbSNP rs2470164978, ClinGen allele CA2740090893.